The following is an entry in ClinVar:

NM_000208.4(INSR):c.*4218G>C

Gene: INSR (insulin receptor; minus strand). Cytogenetic location: 19p13.2.
Variant type: single nucleotide variant.
Coding change: c.*4218G>C on transcript NM_000208.4 (MANE Select); 4218 bases downstream of the stop codon, G replaced by C.
Molecular consequence: 3 prime UTR variant.
Genome position (GRCh38, 1-based): chr19:7,112,838, C>G on the plus strand (G>C on the coding strand, the complement: INSR is on the minus strand). VCF-style: chr19-7112838-C-G. GRCh37 (hg19) VCF-style: chr19-7112849-C-G.
Other names: c.*4218G>C (NM_001079817.3).
Identifiers: ClinVar variation 330354 (VCV000330354.5), dbSNP rs10416396, ClinGen allele CA10649192.
Genomic context (GRCh38, chr19:7,112,838, plus strand): 5'-CCATTTCTCGGGGACCCTTAAGGAAATATTCACCTTCCATTGCACTCCCTGAAAGTCCAC[C>G]ATGTTCTTTTGTATGTTCTAGGAAAAAAAAAAGTGCTGACCTGTTCTTTTCATTCCCAAC-3'

ClinVar aggregate classification (germline): Benign. Review status: criteria provided, single submitter (1 of 4 stars). 3 submissions from 1 submitter: Benign (3). Last evaluated 2018-01-13.

Conditions:
Leprechaunism syndrome. Also called: Donohue syndrome; LEPRECHAUNISM. Identifiers: Orphanet 508, MedGen C0265344, MONDO:0009517, OMIM 246200.
Rabson-Mendenhall syndrome. Also called: MENDENHALL SYNDROME; Pineal Hyperplasia, Insulin-Resistant Diabetes Mellitus, and Somatic Abnormalities; Pineal hyperplasia AND diabetes mellitus syndrome. Identifiers: Orphanet 769, MedGen C0271695, MONDO:0009874, OMIM 262190.
Insulin-resistant diabetes mellitus AND acanthosis nigricans. Also called: Insulin-resistance syndrome type A; INSULIN RECEPTOR, DEFECT IN, WITH INSULIN-RESISTANT DIABETES MELLITUS AND ACANTHOSIS NIGRICANS; IRAN, TYPE A; type A insulin resistance; DIABETES MELLITUS, INSULIN-RESISTANT, WITH ACANTHOSIS NIGRICANS, TYPE A. Identifiers: Orphanet 2297, MedGen C0342278, MONDO:0012520, OMIM 610549.

Allele frequency attached by ClinVar (database versions not stated): gnomAD 0.01273 and 0.01362; TOPMed 0.01391; 1000 Genomes Project 0.01777; 1000 Genomes Project 30x 0.01999.

Submissions (3):

Illumina Laboratory Services, Illumina
Classification: Benign for Rabson-Mendenhall syndrome. Last evaluated: 2018-01-13. Review status: criteria provided, single submitter. Criteria: ICSL Variant Classification Criteria 13 December 2019. Collection method: clinical testing. Allele origin: germline.
Comment: This variant was observed in the ICSL laboratory as part of a predisposition screen in an ostensibly healthy population. It had not been previously curated by ICSL or reported in the Human Gene Mutation Database (HGMD: prior to June 1st, 2018), and was therefore a candidate for classification through an automated scoring system. Utilizing variant allele frequency, disease prevalence and penetrance estimates, and inheritance mode, an automated score was calculated to assess if this variant is too frequent to cause the disease. Based on the score and internal cut-off values, a variant classified as benign is not then subjected to further curation. The score for this variant resulted in a classification of benign for this disease.

Illumina Laboratory Services, Illumina
Classification: Benign for Leprechaunism syndrome. Last evaluated: 2018-01-13. Review status: criteria provided, single submitter. Criteria: ICSL Variant Classification Criteria 13 December 2019. Collection method: clinical testing. Allele origin: germline.
Comment: the same text as in the submission from Illumina Laboratory Services, Illumina above.

Illumina Laboratory Services, Illumina
Classification: Benign for Insulin-resistant diabetes mellitus AND acanthosis nigricans. Last evaluated: 2018-01-13. Review status: criteria provided, single submitter. Criteria: ICSL Variant Classification Criteria 13 December 2019. Collection method: clinical testing. Allele origin: germline.
Comment: the same text as in the submission from Illumina Laboratory Services, Illumina above.